The following is an entry in ClinVar:

ClinVar aggregate classification (germline): Uncertain significance (1 of 4 stars; one submission).

Submission:

Labcorp Genetics (formerly Invitae), Labcorp
Classification: Uncertain significance. Last evaluated: 2024-03-13. Review status: criteria provided, single submitter. Criteria: Invitae Variant Classification Sherloc (09022015). Collection method: clinical testing. Allele origin: germline.
Comment: This sequence change replaces valine, which is neutral and non-polar, with isoleucine, which is neutral and non-polar, at codon 2055 of the POLE protein (p.Val2055Ile). This variant is not present in population databases (gnomAD no frequency). This variant has not been reported in the literature in individuals affected with POLE-related conditions. ClinVar contains an entry for this variant (Variation ID: 1464732). Advanced modeling of protein sequence and biophysical properties (such as structural, functional, and spatial information, amino acid conservation, physicochemical variation, residue mobility, and thermodynamic stability) performed at Invitae indicates that this missense variant is not expected to disrupt POLE protein function with a negative predictive value of 80%. In summary, the available evidence is currently insufficient to determine the role of this variant in disease. Therefore, it has been classified as a Variant of Uncertain Significance.

NM_006231.4(POLE):c.6163G>A (p.Val2055Ile)

Gene: POLE (DNA polymerase epsilon, catalytic subunit; minus strand). Cytogenetic location: 12q24.33.
Variant type: single nucleotide variant.
Coding change: c.6163G>A on transcript NM_006231.4 (MANE Select); coding-DNA position 6163, G replaced by A.
Protein change: p.Val2055Ile; replaces valine 2055 with isoleucine.
Molecular consequence: missense variant.
Genome position (GRCh38, 1-based): chr12:132,632,482, C>T on the plus strand (G>A on the coding strand, the complement: POLE is on the minus strand). VCF-style: chr12-132632482-C-T. GRCh37 (hg19) VCF-style: chr12-133209068-C-T.
Other names: short protein forms V2055I.
Identifiers: ClinVar variation 1464732 (VCV001464732.6), dbSNP rs2138461357, ClinGen allele CA387369954.